The following is an entry in ClinVar:

Conditions:
Breast-ovarian cancer, familial, susceptibility to, 1 (BROVCA1). Also called: BRCA1 Hereditary Breast and Ovarian Cancer; OVARIAN CANCER, SUSCEPTIBILITY TO. Identifiers: Orphanet 145, MedGen C2676676, MONDO:0011450, OMIM 604370. Disease mechanism: loss of function.

Submission:

Brotman Baty Institute, University of Washington
No classification provided (evidence only). Condition: Breast-ovarian cancer, familial 1. Review status: no classification provided. Collection method: in vitro. Allele origin: not applicable. Functional consequence: functionally_normal.
ClinVar note: "not provided" was previously submitted as the classification for the variant. However, the classification appeared to be based only on an observation of functional data so it was converted to no classification on 2025-07-30.

NM_007294.4(BRCA1):c.81-3T>A

Gene: BRCA1 (BRCA1 DNA repair associated; minus strand). Cytogenetic location: 17q21.31.
Variant type: single nucleotide variant.
Coding change: c.81-3T>A on transcript NM_007294.4 (MANE Select); 3 bases into the intron before coding-DNA position 81, T replaced by A.
Molecular consequence: intron variant.
Genome position (GRCh38, 1-based): chr17:43,115,782, A>T on the plus strand (T>A on the coding strand, the complement: BRCA1 is on the minus strand). VCF-style: chr17-43115782-A-T. GRCh37 (hg19) VCF-style: chr17-41267799-A-T.
Other names: c.-61-3T>A (NM_001408503.1, NM_001407943.1, NM_001407748.1 and 47 more transcripts); c.81-3T>A (NM_001407973.1, NM_001407596.1, NM_001408495.1 and 191 more transcripts); c.-219+9489T>A (NM_001407966.1); c.-170+9489T>A (NM_001407963.1); c.-7-9249T>A (NM_001408511.1, NM_001408457.1, NM_001407692.1 and 2 more transcripts); c.-223-3T>A (NM_001407960.1, NM_001407962.1, NM_001408512.1 and 1 more transcripts); c.-108-3T>A (NM_001407899.1, NM_001408507.1, NM_001407958.1 and 52 more transcripts); c.-8+8235T>A (NM_001407936.1, NM_001407849.1, NM_001407845.1 and 23 more transcripts); and 10 more.
Identifiers: ClinVar variation 865088 (VCV000865088.3), dbSNP rs2055265076, ClinGen allele CA916081029.